The following is an entry in ClinVar:

ClinVar aggregate classification (germline): Pathogenic/Likely pathogenic. Review status: criteria provided, multiple submitters, no conflicts (2 of 4 stars). 2 submissions from 2 submitters: Pathogenic (1); Likely pathogenic (1). Last evaluated 2025-05-08.

Conditions:
LEPR-related disorder. Also called: LEPR-related condition; LEPR-related disorders.

Submissions (2):

Labcorp Genetics (formerly Invitae), Labcorp
Classification: Pathogenic. Last evaluated: 2025-05-08. Review status: criteria provided, single submitter. Criteria: Invitae Variant Classification Sherloc (09022015). Collection method: clinical testing. Allele origin: germline.
Comment: This sequence change creates a premature translational stop signal (p.Leu663Glufs*7) in the LEPR gene. It is expected to result in an absent or disrupted protein product. Loss-of-function variants in LEPR are known to be pathogenic (PMID: 23616257, 24319006, 25751111). This variant is not present in population databases (gnomAD no frequency). This variant has not been reported in the literature in individuals affected with LEPR-related conditions. For these reasons, this variant has been classified as Pathogenic.

PreventionGenetics, part of Exact Sciences
Classification: Likely pathogenic for LEPR-related condition. Last evaluated: 2025-05-01. Review status: criteria provided, single submitter. Criteria: ACMG Guidelines, 2015. Collection method: clinical testing. Allele origin: germline.
Comment: The LEPR c.1986_1990del5 variant is predicted to result in a frameshift and premature protein termination (p.Leu663Glufs*7). To our knowledge, this variant has not been reported in the literature or in a large population database, indicating this variant is rare. Frameshift variants in LEPR are expected to be pathogenic. Loss of function variants in LEPR have been reported in individuals with early-onset obesity (Gill et al. 2014. PubMed ID: 23616257; Niazi et al. 2018. PubMed ID: 30442103). This variant is interpreted as likely pathogenic.

Literature cited by the submitters: PubMed 23616257 (cited by Labcorp Genetics (formerly Invitae), Labcorp); PubMed 24319006 (cited by Labcorp Genetics (formerly Invitae), Labcorp); PubMed 25751111 (cited by Labcorp Genetics (formerly Invitae), Labcorp).

NM_002303.6(LEPR):c.1986_1990del (p.Leu663fs)

Gene: LEPR (leptin receptor; plus strand). Cytogenetic location: 1p31.3.
Variant type: Microsatellite.
Coding change: c.1986_1990del on transcript NM_002303.6 (MANE Select); coding-DNA positions 1986 to 1990, 5 bases deleted (ACTTT; older notation c.1986_1990delACTTT).
Protein change: p.Leu663fs; shifts the reading frame from leucine 663.
Molecular consequence: frameshift variant.
Genome position (GRCh38, 1-based): chr1:65,610,287-65,610,291, ACTTT deleted; deleting any 5 consecutive bases within chr1:65,610,282-65,610,291 gives the same sequence; the c. name uses the placement nearest the transcript's 3' end. VCF-style (leftmost placement, unchanged base first): chr1-65610281-CACTTT-C. GRCh37 (hg19) VCF-style: chr1-66075964-CACTTT-C.
Other names: c.1986_1990del, p.Leu663fs (NM_001003679.3, NM_001003680.3, NM_001198687.2 and 2 more transcripts); c.1981_1985ACTTT[1], p.Leu663Glufs (NM_002303.5); c.1986_1990del5 (NM_002303.5); short protein forms L663fs.
Identifiers: ClinVar variation 3030911 (VCV003030911.4), dbSNP rs1469336975, ClinGen allele CA737941963.
Genomic context (GRCh38, chr1:65,610,281, plus strand): 5'-GAGAGGACCTGAATTTTGGAGAATAATTAATGGAGATACTATGAAAAAGGAGAAAAATGT[CACTTT>C]ACTTTGGAAGGTATTCCCAATTTTAATATTAATCTTAAATTGTATTTTTATACTCTTAAA-3'